The following is an entry in ClinVar:

NM_001197104.2(KMT2A):c.4200G>T (p.Arg1400Ser)

Gene: KMT2A (lysine methyltransferase 2A; plus strand). Cytogenetic location: 11q23.3.
Variant type: single nucleotide variant.
Coding change: c.4200G>T on transcript NM_001197104.2 (MANE Select); coding-DNA position 4200, G replaced by T.
Protein change: p.Arg1400Ser; replaces arginine 1400 with serine.
Molecular consequence: missense variant.
Genome position (GRCh38, 1-based): chr11:118,484,296, G>T. VCF-style: chr11-118484296-G-T. GRCh37 (hg19) VCF-style: chr11-118355011-G-T.
Other names: c.4299G>T, p.Arg1433Ser (NM_001412597.1); c.4200G>T, p.Arg1400Ser (NM_005933.4); short protein forms R1400S, R1433S.
Identifiers: ClinVar variation 3250985 (VCV003250985.18), dbSNP rs2134311776.

ClinVar aggregate classification (germline): Uncertain significance (1 of 4 stars; one submission).

Submission:

CeGaT Center for Human Genetics Tuebingen
Classification: Uncertain significance. Last evaluated: 2024-06-01. Review status: criteria provided, single submitter. Criteria: CeGaT Center For Human Genetics Tuebingen Variant Classification Criteria Version 2. Collection method: clinical testing. Allele origin: germline. Affected: yes. Observed: 1 variant allele.
Comment: KMT2A: PM2